The following is an entry in ClinVar:

NM_052867.4(NALCN):c.1100A>C (p.Asn367Thr)

Gene: NALCN (sodium leak channel, non-selective; minus strand). Cytogenetic location: 13q33.1.
Variant type: single nucleotide variant.
Coding change: c.1100A>C on transcript NM_052867.4 (MANE Select); coding-DNA position 1100, A replaced by C.
Protein change: p.Asn367Thr; replaces asparagine 367 with threonine.
Molecular consequence: missense variant. On other transcripts: intron variant (2).
Genome position (GRCh38, 1-based): chr13:101,283,967, T>G on the plus strand (A>C on the coding strand, the complement: NALCN is on the minus strand). VCF-style: chr13-101283967-T-G. GRCh37 (hg19) VCF-style: chr13-101936318-T-G.
Other names: c.1100A>C, p.Asn367Thr (NM_001350748.2, NM_001350749.2); c.1047+8023A>C (NM_001350751.2, NM_001350750.2); short protein forms N367T.
Identifiers: ClinVar variation 4537182 (VCV004537182.1).

ClinVar aggregate classification (germline): Uncertain significance (1 of 4 stars; one submission).

gnomAD v4.1: 2 of 1,613,654 alleles (0.00012%); highest among the groups gnomAD compares: African/African-American, 0.0027%; no homozygotes.

Submission:

Women's Health and Genetics/Laboratory Corporation of America, LabCorp
Classification: Uncertain significance. Last evaluated: 2025-11-25. Review status: criteria provided, single submitter. Criteria: LabCorp Variant Classification Summary - May 2015. Collection method: clinical testing. Allele origin: germline.
Comment: Variant summary: NALCN c.1100A>C (p.Asn367Thr) results in a non-conservative amino acid change in the encoded protein sequence. Algorithms developed to predict the effect of missense changes on protein structure and function all suggest that this variant is likely to be disruptive. The variant was absent in 250660 control chromosomes. The available data on variant occurrences in the general population are insufficient to allow any conclusion about variant significance. To our knowledge, no occurrence of c.1100A>C in individuals affected with NALCN-related conditions and no experimental evidence demonstrating its impact on protein function have been reported. No submitters have cited clinical-significance assessments for this variant to ClinVar. Based on the evidence outlined above, the variant was classified as uncertain significance.